The following is an entry in ClinVar:

NM_018129.4(PNPO):c.*512A>C

Gene: PNPO (pyridoxamine 5'-phosphate oxidase; plus strand). Cytogenetic location: 17q21.32.
Variant type: single nucleotide variant.
Coding change: c.*512A>C on transcript NM_018129.4 (MANE Select); 512 bases downstream of the stop codon, A replaced by C.
Molecular consequence: 3 prime UTR variant.
Genome position (GRCh38, 1-based): chr17:47,947,294, A>C. VCF-style: chr17-47947294-A-C. GRCh37 (hg19) VCF-style: chr17-46024660-A-C.
Identifiers: ClinVar variation 323918 (VCV000323918.6), dbSNP rs7220104, ClinGen allele CA10649582.

ClinVar aggregate classification (germline): Benign. Review status: criteria provided, multiple submitters, no conflicts (2 of 4 stars). 2 submissions from 2 submitters: Benign (2). Last evaluated 2018-01-13.

Conditions:
Pyridoxal phosphate-responsive seizures (PNPOD). Also called: Pyridoxal 5'-Phosphate (PLP)-Dependent Epilepsy; EPILEPTIC ENCEPHALOPATHY, NEONATAL, PNPO-RELATED; Pyridoxamine 5-Prime-Phosphate Oxidase Deficiency; Pyridoxine-5'-phosphate oxidase deficiency; SEIZURES, PYRIDOXINE-RESISTANT, PLP-SENSITIVE. Identifiers: Orphanet 79096, MedGen C1864723, MONDO:0012407, OMIM 610090. Disease mechanism: loss of function.

Allele frequency attached by ClinVar (database versions not stated): gnomAD 0.38852 and 0.39079; TOPMed 0.39134; gnomAD exomes 0.40346; 1000 Genomes Project 30x 0.42177; 1000 Genomes Project 0.42552.
gnomAD v4.1: 63,519 of 162,436 alleles (39%); highest among the groups gnomAD compares: East Asian, 54%; 12,585 homozygotes.

Submissions (2):

Illumina Laboratory Services, Illumina
Classification: Benign for Pyridoxal phosphate-responsive seizures. Last evaluated: 2018-01-13. Review status: criteria provided, single submitter. Criteria: ICSL Variant Classification Criteria 13 December 2019. Collection method: clinical testing. Allele origin: germline.
Comment: This variant was observed in the ICSL laboratory as part of a predisposition screen in an ostensibly healthy population. It had not been previously curated by ICSL or reported in the Human Gene Mutation Database (HGMD: prior to June 1st, 2018), and was therefore a candidate for classification through an automated scoring system. Utilizing variant allele frequency, disease prevalence and penetrance estimates, and inheritance mode, an automated score was calculated to assess if this variant is too frequent to cause the disease. Based on the score and internal cut-off values, a variant classified as benign is not then subjected to further curation. The score for this variant resulted in a classification of benign for this disease.

Breakthrough Genomics
Classification: Benign. Review status: criteria provided, single submitter. Criteria: ACMG Guidelines, 2015. Collection method: not provided. Allele origin: germline. Inheritance: Autosomal recessive inheritance. Affected: yes.